The following is an entry in ClinVar:

ClinVar aggregate classification (germline): Uncertain significance (1 of 4 stars; one submission).

Allele frequency attached by ClinVar (database versions not stated): TOPMed below 0.00001; gnomAD exomes 0.00001; ExAC 0.00003.
gnomAD v4.1: 7 of 1,608,764 alleles (0.00044%); highest among the groups gnomAD compares: South Asian, 0.0077%; no homozygotes.

Submission:

Labcorp Genetics (formerly Invitae), Labcorp
Classification: Uncertain significance. Last evaluated: 2021-05-21. Review status: criteria provided, single submitter. Criteria: Invitae Variant Classification Sherloc (09022015). Collection method: clinical testing. Allele origin: germline.
Comment: In summary, the available evidence is currently insufficient to determine the role of this variant in disease. Therefore, it has been classified as a Variant of Uncertain Significance. Algorithms developed to predict the effect of missense changes on protein structure and function (SIFT, PolyPhen-2, Align-GVGD) all suggest that this variant is likely to be tolerated, but these predictions have not been confirmed by published functional studies and their clinical significance is uncertain. This variant has not been reported in the literature in individuals with ASPM-related conditions. This variant is present in population databases (rs747679648, ExAC 0.02%). This sequence change replaces leucine with arginine at codon 1085 of the ASPM protein (p.Leu1085Arg). The leucine residue is weakly conserved and there is a moderate physicochemical difference between leucine and arginine.

NM_018136.5(ASPM):c.3254T>G (p.Leu1085Arg)

Gene: ASPM (assembly factor for spindle microtubules; minus strand). Cytogenetic location: 1q31.3.
Variant type: single nucleotide variant.
Coding change: c.3254T>G on transcript NM_018136.5 (MANE Select); coding-DNA position 3254, T replaced by G.
Protein change: p.Leu1085Arg; replaces leucine 1085 with arginine.
Molecular consequence: missense variant.
Genome position (GRCh38, 1-based): chr1:197,124,246, A>C on the plus strand (T>G on the coding strand, the complement: ASPM is on the minus strand). VCF-style: chr1-197124246-A-C. GRCh37 (hg19) VCF-style: chr1-197093376-A-C.
Other names: c.3254T>G, p.Leu1085Arg (NM_001206846.2); short protein forms L1085R.
Identifiers: ClinVar variation 1416584 (VCV001416584.8), dbSNP rs747679648, ClinGen allele CA1310213.